The following is an entry in ClinVar:

ClinVar aggregate classification (germline): Uncertain significance (1 of 4 stars; one submission).

Conditions:
RASopathy. Also called: Noonan spectrum disorder; rasopathies. Identifiers: Orphanet 536391, MedGen C5555857, MONDO:0021060.

Submission:

Labcorp Genetics (formerly Invitae), Labcorp
Classification: Uncertain significance for RASopathy. Last evaluated: 2024-04-15. Review status: criteria provided, single submitter. Criteria: Invitae Variant Classification Sherloc (09022015). Collection method: clinical testing. Allele origin: germline.
Comment: This sequence change replaces glycine, which is neutral and non-polar, with arginine, which is basic and polar, at codon 171 of the MAP2K2 protein (p.Gly171Arg). This variant is not present in population databases (gnomAD no frequency). This variant has not been reported in the literature in individuals affected with MAP2K2-related conditions. Advanced modeling of protein sequence and biophysical properties (such as structural, functional, and spatial information, amino acid conservation, physicochemical variation, residue mobility, and thermodynamic stability) has been performed at Invitae for this missense variant, however the output from this modeling did not meet the statistical confidence thresholds required to predict the impact of this variant on MAP2K2 protein function. In summary, the available evidence is currently insufficient to determine the role of this variant in disease. Therefore, it has been classified as a Variant of Uncertain Significance.

NM_030662.4(MAP2K2):c.511G>A (p.Gly171Arg)

Gene: MAP2K2 (mitogen-activated protein kinase kinase 2; minus strand). Cytogenetic location: 19p13.3.
Variant type: single nucleotide variant.
Coding change: c.511G>A on transcript NM_030662.4 (MANE Select); coding-DNA position 511, G replaced by A.
Protein change: p.Gly171Arg; replaces glycine 171 with arginine.
Molecular consequence: missense variant.
Genome position (GRCh38, 1-based): chr19:4,102,393, C>T on the plus strand (G>A on the coding strand, the complement: MAP2K2 is on the minus strand). VCF-style: chr19-4102393-C-T. GRCh37 (hg19) VCF-style: chr19-4102391-C-T.
Other names: short protein forms G171R.
Identifiers: ClinVar variation 3636800 (VCV003636800.2).